The following is an entry in ClinVar:

ClinVar aggregate classification (germline): Uncertain significance (1 of 4 stars; one submission).

Submission:

Labcorp Genetics (formerly Invitae), Labcorp
Classification: Uncertain significance. Last evaluated: 2024-08-20. Review status: criteria provided, single submitter. Criteria: Invitae Variant Classification Sherloc (09022015). Collection method: clinical testing. Allele origin: germline.
Comment: This sequence change replaces valine, which is neutral and non-polar, with leucine, which is neutral and non-polar, at codon 275 of the LEMD3 protein (p.Val275Leu). This variant is not present in population databases (gnomAD no frequency). This variant has not been reported in the literature in individuals affected with LEMD3-related conditions. An algorithm developed to predict the effect of missense changes on protein structure and function (PolyPhen-2) suggests that this variant is likely to be tolerated. Algorithms developed to predict the effect of sequence changes on RNA splicing suggest that this variant may create or strengthen a splice site. In summary, the available evidence is currently insufficient to determine the role of this variant in disease. Therefore, it has been classified as a Variant of Uncertain Significance.

NM_014319.5(LEMD3):c.823G>C (p.Val275Leu)

Gene: LEMD3 (LEM domain containing 3; plus strand). Cytogenetic location: 12q14.3.
Variant type: single nucleotide variant.
Coding change: c.823G>C on transcript NM_014319.5 (MANE Select); coding-DNA position 823, G replaced by C.
Protein change: p.Val275Leu; replaces valine 275 with leucine.
Molecular consequence: missense variant.
Genome position (GRCh38, 1-based): chr12:65,170,419, G>C. VCF-style: chr12-65170419-G-C. GRCh37 (hg19) VCF-style: chr12-65564199-G-C.
Other names: c.823G>C, p.Val275Leu (NM_001167614.2); short protein forms V275L.
Identifiers: ClinVar variation 3673437 (VCV003673437.2).
Genomic context (GRCh38, chr12:65,170,419, plus strand): 5'-CGGGAAAACTATTCGGACTCAGAGGAAGAGGACGACGACGACGTGGCCTCCAGCAGACAG[G>C]TATTAAAGGACGACTCCCTTTCCCGGCATCGGCCCAGACGAACCCATAGTAAGCCTCTCC-3'
Protein context (NP_055134.2, residues 265-285): DDDDVASSRQ[Val275Leu]LKDDSLSRHR